The following is an entry in ClinVar:

NM_001408.3(CELSR2):c.3522C>T (p.Asp1174=)

Gene: CELSR2 (cadherin EGF LAG seven-pass G-type receptor 2; plus strand). Cytogenetic location: 1p13.3.
Variant type: single nucleotide variant.
Coding change: c.3522C>T on transcript NM_001408.3 (MANE Select); coding-DNA position 3522, C replaced by T.
Protein change: p.Asp1174=; no amino-acid change (aspartic acid 1174 retained).
Molecular consequence: synonymous variant.
Genome position (GRCh38, 1-based): chr1:109,258,643, C>T. VCF-style: chr1-109258643-C-T. GRCh37 (hg19) VCF-style: chr1-109801265-C-T.
Identifiers: ClinVar variation 1562029 (VCV001562029.39), dbSNP rs369490352, ClinGen allele CA986959.

ClinVar aggregate classification (germline): Likely benign. Review status: criteria provided, multiple submitters, no conflicts (2 of 4 stars). 3 submissions from 3 submitters: Likely benign (3). Last evaluated 2022-12-22.

Allele frequency attached by ClinVar (database versions not stated): ESP Exome Variant Server 0.00008.
gnomAD v4.1: 111 of 1,553,170 alleles (0.0071%); highest among the groups gnomAD compares: Admixed American, 0.066%; no homozygotes.

Submissions (3):

Labcorp Genetics (formerly Invitae), Labcorp
Classification: Likely benign. Last evaluated: 2022-12-22. Review status: criteria provided, single submitter. Criteria: Invitae Variant Classification Sherloc (09022015). Collection method: clinical testing. Allele origin: germline.

CeGaT Center for Human Genetics Tuebingen
Classification: Likely benign. Last evaluated: 2022-05-01. Review status: criteria provided, single submitter. Criteria: CeGaT Center For Human Genetics Tuebingen Variant Classification Criteria Version 2. Collection method: clinical testing. Allele origin: germline. Affected: yes. Observed: 1 variant allele.
Comment: CELSR2: BP4, BP7

Blueprint Genetics
Classification: Likely benign. Last evaluated: 2022-03-23. Review status: criteria provided, single submitter. Criteria: ACMG Guidelines, 2015. Collection method: clinical testing. Allele origin: germline.